The following is an entry in ClinVar:

NM_022829.6(SLC13A3):c.1737G>A (p.Trp579Ter)

Gene: SLC13A3 (solute carrier family 13 member 3; minus strand). Cytogenetic location: 20q13.12.
Variant type: single nucleotide variant.
Coding change: c.1737G>A on transcript NM_022829.6 (MANE Select); coding-DNA position 1737, G replaced by A.
Protein change: p.Trp579Ter; replaces tryptophan 579 with a stop codon.
Molecular consequence: nonsense.
Genome position (GRCh38, 1-based): chr20:46,560,094, C>T on the plus strand (G>A on the coding strand, the complement: SLC13A3 is on the minus strand). VCF-style: chr20-46560094-C-T. GRCh37 (hg19) VCF-style: chr20-45188733-C-T.
Other names: c.1596G>A, p.Trp532Ter (NM_001011554.3); c.1587G>A, p.Trp529Ter (NM_001193339.2); c.1491G>A, p.Trp497Ter (NM_001193340.2); c.1443G>A, p.Trp481Ter (NM_001193342.2); short protein forms W481*, W497*, W529*, W532*, W579*.
Identifiers: ClinVar variation 2582995 (VCV002582995.25), dbSNP rs2061918064, ClinGen allele CA409257337.

ClinVar aggregate classification (germline): Uncertain significance (1 of 4 stars; one submission).

Allele frequency attached by ClinVar (database versions not stated): gnomAD exomes below 0.00001; TOPMed below 0.00001; gnomAD 0.00001.
gnomAD v4.1: 3 of 1,614,014 alleles (0.00019%); highest among the groups gnomAD compares: Non-Finnish European, 0.00025%; no homozygotes.

Submission:

CeGaT Center for Human Genetics Tuebingen
Classification: Uncertain significance. Last evaluated: 2023-09-01. Review status: criteria provided, single submitter. Criteria: CeGaT Center For Human Genetics Tuebingen Variant Classification Criteria Version 2. Collection method: clinical testing. Allele origin: germline. Affected: yes. Observed: 2 variant alleles.
Comment: SLC13A3: PM2, PM3